The following is an entry in ClinVar:

ClinVar aggregate classification (germline): Likely benign. Review status: criteria provided, multiple submitters, no conflicts (2 of 4 stars). 4 submissions from 4 submitters: Likely benign (3). 1 of the submissions does not count toward it. Last evaluated 2025-12-06.

Conditions:
FANCG-related disorder. Also called: FANCG-related condition.
Fanconi anemia (FA). Also called: Fanconi's anemia. Identifiers: Orphanet 84, MedGen C0015625, MeSH D005199, MONDO:0019391.

Allele frequency attached by ClinVar (database versions not stated): gnomAD exomes below 0.00001 and 0.00002; ExAC 0.00001; gnomAD 0.00002; TOPMed 0.00002.
gnomAD v4.1: 32 of 1,614,076 alleles (0.002%); highest among the groups gnomAD compares: Middle Eastern, 0.38%; no homozygotes.

Submissions (4):

Labcorp Genetics (formerly Invitae), Labcorp
Classification: Likely benign for Fanconi anemia. Last evaluated: 2025-12-06. Review status: criteria provided, single submitter. Criteria: Invitae Variant Classification Sherloc (09022015). Collection method: clinical testing. Allele origin: germline.

Blueprint Genetics
Classification: Likely benign. Last evaluated: 2023-08-25. Review status: criteria provided, single submitter. Criteria: ACMG Guidelines, 2015. Collection method: clinical testing. Allele origin: germline.

Breakthrough Genomics
Classification: Likely benign. Review status: criteria provided, single submitter. Criteria: ACMG Guidelines, 2015. Collection method: not provided. Allele origin: germline. Inheritance: Autosomal recessive inheritance. Affected: yes.

PreventionGenetics, part of Exact Sciences
Classification: Likely benign for FANCG-related condition. Last evaluated: 2019-12-06. Review status: no assertion criteria provided. Collection method: clinical testing. Allele origin: germline. Not counted in ClinVar's aggregate classification.
Comment: This variant is classified as likely benign based on ACMG/AMP sequence variant interpretation guidelines (Richards et al. 2015 PMID: 25741868, with internal and published modifications).

NM_004629.2(FANCG):c.1677G>A (p.Lys559=)

Gene: FANCG (FA complementation group G; minus strand). Cytogenetic location: 9p13.3.
Variant type: single nucleotide variant.
Coding change: c.1677G>A on transcript NM_004629.2 (MANE Select); coding-DNA position 1677, G replaced by A.
Protein change: p.Lys559=; no amino-acid change (lysine 559 retained).
Molecular consequence: synonymous variant.
Genome position (GRCh38, 1-based): chr9:35,074,454, C>T on the plus strand (G>A on the coding strand, the complement: FANCG is on the minus strand). VCF-style: chr9-35074454-C-T. GRCh37 (hg19) VCF-style: chr9-35074451-C-T.
Identifiers: ClinVar variation 698875 (VCV000698875.14), dbSNP rs779403243, ClinGen allele CA5039655.